The following is an entry in ClinVar:

NM_000443.4(ABCB4):c.938C>T (p.Ala313Val)

Gene: ABCB4 (ATP binding cassette subfamily B member 4; minus strand). Cytogenetic location: 7q21.12.
Variant type: single nucleotide variant.
Coding change: c.938C>T on transcript NM_000443.4 (MANE Select); coding-DNA position 938, C replaced by T.
Protein change: p.Ala313Val; replaces alanine 313 with valine.
Molecular consequence: missense variant.
Genome position (GRCh38, 1-based): chr7:87,447,101, G>A on the plus strand (C>T on the coding strand, the complement: ABCB4 is on the minus strand). VCF-style: chr7-87447101-G-A. GRCh37 (hg19) VCF-style: chr7-87076417-G-A.
Other names: c.938C>T, p.Ala313Val (NM_018849.3, NM_018850.3); short protein forms A313V.
Identifiers: ClinVar variation 4846394 (VCV004846394.2).

ClinVar aggregate classification (germline): Uncertain significance. Review status: criteria provided, multiple submitters, no conflicts (2 of 4 stars). 2 submissions from 2 submitters: Uncertain significance (2). Last evaluated 2026-04-14.

Conditions:
Familial intrahepatic cholestasis. Identifiers: Orphanet 284385, MedGen CN296401, MONDO:0017290.

Submissions (2):

Genomenon, Inc
Classification: Uncertain significance for Familial intrahepatic cholestasis. Last evaluated: 2026-04-14. Review status: criteria provided, single submitter. Criteria: Genomenon Sequence Variant Interpretation Standards - Updated. Collection method: curation. Allele origin: germline. Affected: yes.
Comment: ABCB4 p.Ala313Val (c.938C>T) is a missense variant that changes the amino acid at residue 313 from Alanine to Valine. This variant has been observed in at least one proband with an ABCB4-related disorder (PMID:40200381). It is absent or not present at a significant frequency in gnomAD. In silico models predict that this variant is possibly or probably damaging. In conclusion, we classify ABCB4 p.Ala313Val (c.938C>T) as a variant of uncertain significance.

Blueprint Genetics
Classification: Uncertain significance. Last evaluated: 2017-10-25. Review status: criteria provided, single submitter. Criteria: ACMG Guidelines, 2015. Collection method: clinical testing. Allele origin: germline.

Literature cited by the submitters: PubMed 40200381 (cited by Genomenon, Inc).